The following is an entry in ClinVar:

ClinVar aggregate classification (germline): Uncertain significance (1 of 4 stars; one submission).

Conditions:
Hereditary cancer-predisposing syndrome. Also called: Neoplastic Syndromes, Hereditary; Tumor predisposition; Hereditary Cancer Syndrome; Hereditary neoplastic syndrome. Identifiers: Orphanet 140162, MedGen C0027672, MeSH D009386, MONDO:0015356.

Submission:

Ambry Genetics
Classification: Uncertain significance for Hereditary cancer-predisposing syndrome. Last evaluated: 2020-08-24. Review status: criteria provided, single submitter. Criteria: Ambry Variant Classification Scheme 2023. Collection method: clinical testing. Allele origin: germline.
Comment: The p.D600G variant (also known as c.1799A>G), located in coding exon 10 of the DICER1 gene, results from an A to G substitution at nucleotide position 1799. The aspartic acid at codon 600 is replaced by glycine, an amino acid with similar properties. This amino acid position is not well conserved in available vertebrate species. In addition, this alteration is predicted to be tolerated by in silico analysis. Since supporting evidence is limited at this time, the clinical significance of this alteration remains unclear.

NM_177438.3(DICER1):c.1799A>G (p.Asp600Gly)

Gene: DICER1 (dicer 1, ribonuclease III; minus strand). Cytogenetic location: 14q32.13.
Variant type: single nucleotide variant.
Coding change: c.1799A>G on transcript NM_177438.3 (MANE Select); coding-DNA position 1799, A replaced by G.
Protein change: p.Asp600Gly; replaces aspartic acid 600 with glycine.
Molecular consequence: missense variant. On other transcripts: non-coding transcript variant (6).
Genome position (GRCh38, 1-based): chr14:95,115,775, T>C on the plus strand (A>G on the coding strand, the complement: DICER1 is on the minus strand). VCF-style: chr14-95115775-T-C. GRCh37 (hg19) VCF-style: chr14-95582112-T-C.
Other names: c.1799A>G, p.Asp600Gly (NM_001195573.1, NM_001271282.3, NM_001291628.2 and 13 more transcripts); c.1517A>G, p.Asp506Gly (NM_001395686.1); c.1394A>G, p.Asp465Gly (NM_001395687.1, NM_001395688.1, NM_001395689.1 and 3 more transcripts); c.1232A>G, p.Asp411Gly (NM_001395691.1); c.116A>G, p.Asp39Gly (NM_001395697.1); short protein forms D39G, D411G, D465G, D506G, D600G.
Identifiers: ClinVar variation 1780304 (VCV001780304.2), dbSNP rs2543004961, ClinGen allele CA390884107.
Genomic context (GRCh38, chr14:95,115,775, plus strand): 5'-TCGTCAGGCCTCAACACATATGGTGGGAAAACGTCATCATCATCCATGACAGGATCAATG[T>C]CAGTCTCACCAGTATCAACCGACTTGGAACACTTGTTTCTCAAGATCTGAACATTTAAAA-3'
Protein context (NP_803187.1, residues 590-610): CSKSVDTGET[Asp600Gly]IDPVMDDDDV